The following is an entry in ClinVar:

ClinVar aggregate classification (germline): Uncertain significance (1 of 4 stars; one submission).

Conditions:
Familial hypobetalipoproteinemia 1. Also called: APOB-Related Familial Hypobetalipoproteinemia; Hypobetalipoproteinemia, normotriglyceridemic; Acanthocytosis with hypobetalipoproteinemia. Identifiers: MedGen C4551990, MONDO:0014252, OMIM 615558.
Hypercholesterolemia, autosomal dominant, type B (FHCL2). Also called: Familial Hypercholesterolemia Type B; APOLIPOPROTEIN B-100, FAMILIAL DEFECTIVE; APOLIPOPROTEIN B-100, FAMILIAL LIGAND-DEFECTIVE; HYPERCHOLESTEROLEMIA, FAMILIAL, DUE TO LIGAND-DEFECTIVE APOLIPOPROTEIN B; Hyperlipoproteinemia Type IIb; Familial hypercholesterolemia 2. Identifiers: MedGen C1704417, MONDO:0007751, OMIM 144010.

Submission:

Labcorp Genetics (formerly Invitae), Labcorp
Classification: Uncertain significance for Familial hypobetalipoproteinemia 1; Hypercholesterolemia, autosomal dominant, type B. Last evaluated: 2024-10-09. Review status: criteria provided, single submitter. Criteria: Invitae Variant Classification Sherloc (09022015). Collection method: clinical testing. Allele origin: germline.
Comment: This sequence change replaces alanine, which is neutral and non-polar, with proline, which is neutral and non-polar, at codon 916 of the APOB protein (p.Ala916Pro). This variant is not present in population databases (gnomAD no frequency). This variant has not been reported in the literature in individuals affected with APOB-related conditions. Invitae Evidence Modeling of protein sequence and biophysical properties (such as structural, functional, and spatial information, amino acid conservation, physicochemical variation, residue mobility, and thermodynamic stability) indicates that this missense variant is not expected to disrupt APOB protein function with a negative predictive value of 95%. In summary, the available evidence is currently insufficient to determine the role of this variant in disease. Therefore, it has been classified as a Variant of Uncertain Significance.

NM_000384.3(APOB):c.2746G>C (p.Ala916Pro)

Gene: APOB (apolipoprotein B; minus strand). Cytogenetic location: 2p24.1.
Variant type: single nucleotide variant.
Coding change: c.2746G>C on transcript NM_000384.3 (MANE Select); coding-DNA position 2746, G replaced by C.
Protein change: p.Ala916Pro; replaces alanine 916 with proline.
Molecular consequence: missense variant.
Genome position (GRCh38, 1-based): chr2:21,022,901, C>G on the plus strand (G>C on the coding strand, the complement: APOB is on the minus strand). VCF-style: chr2-21022901-C-G. GRCh37 (hg19) VCF-style: chr2-21245773-C-G.
Other names: short protein forms A916P.
Identifiers: ClinVar variation 3753604 (VCV003753604.2), dbSNP rs201689269.